The following is an entry in ClinVar:

ClinVar aggregate classification (germline): Pathogenic (0 of 4 stars; one submission).

Conditions:
Carcinoma of colon (CRC). Also called: Colonic carcinoma; Colon carcinoma. Identifiers: MedGen C0699790, MONDO:0002032.

Submission:

Department of Pathology and Laboratory Medicine, Sinai Health System
Classification: Pathogenic for Carcinoma of colon. Review status: no assertion criteria provided. Collection method: clinical testing. Allele origin: unknown. Affected: yes. Study: The Canadian Open Genetics Repository (COGR).
Comment: The MSH6 p.Glu619* variant was not identified in the literature nor was it identified in the following databases: dbSNP, ClinVar, UMD-LSDB, Exome Aggregation Consortium (August 8th 2016) or the Genome Aggregation Database (Feb 27, 2017). The c.1855G>T variant leads to a premature stop codon at position 619, which is predicted to result in a truncated or absent protein and loss of function. Loss of function variants of the MSH6 gene are an established mechanism of disease in Lynch Syndrome and is the type of variant expected to cause the disorder. In summary, based on the above information, this variant meets our laboratoryâ€šÃ„Ã´s criteria to be classified as pathogenic.

NM_000179.3(MSH6):c.1855G>T (p.Glu619Ter)

Gene: MSH6 (mutS homolog 6; plus strand). Cytogenetic location: 2p16.3.
Variant type: single nucleotide variant.
Coding change: c.1855G>T on transcript NM_000179.3 (MANE Select); coding-DNA position 1855, G replaced by T.
Protein change: p.Glu619Ter; replaces glutamic acid 619 with a stop codon.
Molecular consequence: nonsense.
Genome position (GRCh38, 1-based): chr2:47,799,838, G>T. VCF-style: chr2-47799838-G-T. GRCh37 (hg19) VCF-style: chr2-48026977-G-T.
Other names: c.1465G>T, p.Glu489Ter (NM_001281492.2); c.949G>T, p.Glu317Ter (NM_001281493.2, NM_001281494.2); short protein forms E317*, E489*, E619*.
Identifiers: ClinVar variation 1049369 (VCV001049369.1), dbSNP rs1669384406, ClinGen allele CA346749765.